The following is an entry in ClinVar:

NM_207111.4(RNF216):c.293A>G (p.Lys98Arg)

Gene: RNF216 (ring finger protein 216; minus strand). Cytogenetic location: 7p22.1.
Variant type: single nucleotide variant.
Coding change: c.293A>G on transcript NM_207111.4 (MANE Select); coding-DNA position 293, A replaced by G.
Protein change: p.Lys98Arg; replaces lysine 98 with arginine.
Molecular consequence: missense variant. On other transcripts: intron variant (2).
Genome position (GRCh38, 1-based): chr7:5,741,724, T>C on the plus strand (A>G on the coding strand, the complement: RNF216 is on the minus strand). VCF-style: chr7-5741724-T-C. GRCh37 (hg19) VCF-style: chr7-5781355-T-C.
Other names: c.202-80A>G (NM_207116.3, NM_001377156.1); short protein forms K98R.
Identifiers: ClinVar variation 1385502 (VCV001385502.8), dbSNP rs2128654305, ClinGen allele CA366737351.

ClinVar aggregate classification (germline): Uncertain significance (1 of 4 stars; one submission).

Submission:

Labcorp Genetics (formerly Invitae), Labcorp
Classification: Uncertain significance. Last evaluated: 2025-03-31. Review status: criteria provided, single submitter. Criteria: Invitae Variant Classification Sherloc (09022015). Collection method: clinical testing. Allele origin: germline.
Comment: This sequence change replaces lysine, which is basic and polar, with arginine, which is basic and polar, at codon 98 of the RNF216 protein (p.Lys98Arg). This variant is not present in population databases (gnomAD no frequency). This variant has not been reported in the literature in individuals affected with RNF216-related conditions. ClinVar contains an entry for this variant (Variation ID: 1385502). An algorithm developed to predict the effect of missense changes on protein structure and function outputs the following: PolyPhen-2: "Benign". The arginine amino acid residue is found in multiple mammalian species, which suggests that this missense change does not adversely affect protein function. In summary, the available evidence is currently insufficient to determine the role of this variant in disease. Therefore, it has been classified as a Variant of Uncertain Significance.